The following is an entry in ClinVar:

NM_152703.5(SAMD9L):c.174G>A (p.Met58Ile)

Gene: SAMD9L (sterile alpha motif domain containing 9 like; minus strand). Cytogenetic location: 7q21.2.
Variant type: single nucleotide variant.
Coding change: c.174G>A on transcript NM_152703.5 (MANE Select); coding-DNA position 174, G replaced by A.
Protein change: p.Met58Ile; replaces methionine 58 with isoleucine.
Molecular consequence: missense variant.
Genome position (GRCh38, 1-based): chr7:93,135,798, C>T on the plus strand (G>A on the coding strand, the complement: SAMD9L is on the minus strand). VCF-style: chr7-93135798-C-T. GRCh37 (hg19) VCF-style: chr7-92765111-C-T.
Other names: c.174G>A, p.Met58Ile (NM_001303496.3, NM_001303497.3, NM_001303498.3 and 5 more transcripts); c.174G>A (NM_152703.2); short protein forms M58I.
Identifiers: ClinVar variation 1904070 (VCV001904070.7), dbSNP rs774550611, ClinGen allele CA4343920.

ClinVar aggregate classification (germline): Uncertain significance. Review status: criteria provided, multiple submitters, no conflicts (2 of 4 stars). 3 submissions from 3 submitters: Uncertain significance (3). Last evaluated 2025-09-04.

Conditions:
Inborn genetic diseases. Identifiers: MedGen C0950123, MeSH D030342.

Allele frequency attached by ClinVar (database versions not stated): TOPMed below 0.00001; ExAC 0.00001; gnomAD exomes 0.00001.
gnomAD v4.1: 6 of 1,614,006 alleles (0.00037%); highest among the groups gnomAD compares: Admixed American, 0.01%; no homozygotes.

Submissions (3):

Women's Health and Genetics/Laboratory Corporation of America, LabCorp
Classification: Uncertain significance. Last evaluated: 2025-09-04. Review status: criteria provided, single submitter. Criteria: LabCorp Variant Classification Summary - May 2015. Collection method: clinical testing. Allele origin: germline.
Comment: Variant summary: SAMD9L c.174G>A (p.Met58Ile) results in a conservative amino acid change located in the Sterile alpha motif (SAM) domain (IPR001660) of the encoded protein sequence. Algorithms developed to predict the effect of missense changes on protein structure and function are either unavailable or do not agree on the potential impact of this missense change. The variant allele was found at a frequency of 2e-05 in 251110 control chromosomes in the gnomAD database. The available data on variant occurrences in the general population are insufficient to allow any conclusion about variant significance. To our knowledge, no occurrence of c.174G>A in individuals affected with SAMD9L-related conditions and no experimental evidence demonstrating its impact on protein function have been reported. ClinVar contains an entry for this variant (Variation ID: 1904070). Based on the evidence outlined above, the variant was classified as uncertain significance.

Ambry Genetics
Classification: Uncertain significance for Inborn genetic diseases. Last evaluated: 2025-02-04. Review status: criteria provided, single submitter. Criteria: Ambry Variant Classification Scheme 2023. Collection method: clinical testing. Allele origin: germline.
Comment: The p.M58I variant (also known as c.174G>A), located in coding exon 1 of the SAMD9L gene, results from a G to A substitution at nucleotide position 174. The methionine at codon 58 is replaced by isoleucine, an amino acid with highly similar properties. This amino acid position is conserved. In addition, this alteration is predicted to be tolerated by in silico analysis. Based on the available evidence, the clinical significance of this variant remains unclear.

Labcorp Genetics (formerly Invitae), Labcorp
Classification: Uncertain significance. Last evaluated: 2024-05-27. Review status: criteria provided, single submitter. Criteria: Invitae Variant Classification Sherloc (09022015). Collection method: clinical testing. Allele origin: germline.
Comment: This sequence change replaces methionine, which is neutral and non-polar, with isoleucine, which is neutral and non-polar, at codon 58 of the SAMD9L protein (p.Met58Ile). This variant is present in population databases (rs774550611, gnomAD 0.01%). This variant has not been reported in the literature in individuals affected with SAMD9L-related conditions. ClinVar contains an entry for this variant (Variation ID: 1904070). An algorithm developed to predict the effect of missense changes on protein structure and function (PolyPhen-2) suggests that this variant is likely to be tolerated. In summary, the available evidence is currently insufficient to determine the role of this variant in disease. Therefore, it has been classified as a Variant of Uncertain Significance.